The following is an entry in ClinVar:

ClinVar aggregate classification (germline): Uncertain significance (1 of 4 stars; one submission).

Conditions:
Neuronal ceroid lipofuscinosis. Also called: Neuronal Ceroid Lipofuscinoses. Identifiers: Orphanet 216, Orphanet 79263, MedGen C0027877, MONDO:0016295. Disease mechanism: loss of function.

Allele frequency attached by ClinVar (database versions not stated): gnomAD exomes below 0.00001 and 0.00001; ExAC 0.00001; gnomAD 0.00001; 1000 Genomes Project 30x 0.00016; 1000 Genomes Project 0.00020.
gnomAD v4.1: 5 of 1,614,192 alleles (0.00031%); highest among the groups gnomAD compares: Admixed American, 0.0017%; no homozygotes.

Submission:

Labcorp Genetics (formerly Invitae), Labcorp
Classification: Uncertain significance for Neuronal ceroid lipofuscinosis. Last evaluated: 2022-03-29. Review status: criteria provided, single submitter. Criteria: Invitae Variant Classification Sherloc (09022015). Collection method: clinical testing. Allele origin: germline.
Comment: This sequence change replaces tyrosine, which is neutral and polar, with histidine, which is basic and polar, at codon 284 of the CLN3 protein (p.Tyr284His). This variant is present in population databases (rs201090501, gnomAD 0.006%). This variant has not been reported in the literature in individuals affected with CLN3-related conditions. Algorithms developed to predict the effect of missense changes on protein structure and function output the following: SIFT: "Deleterious"; PolyPhen-2: "Benign"; Align-GVGD: "Class C25". The histidine amino acid residue is found in multiple mammalian species, which suggests that this missense change does not adversely affect protein function. In summary, the available evidence is currently insufficient to determine the role of this variant in disease. Therefore, it has been classified as a Variant of Uncertain Significance.

NM_001042432.2(CLN3):c.850T>C (p.Tyr284His)

Gene: CLN3 (CLN3 lysosomal/endosomal transmembrane protein, battenin; minus strand). Cytogenetic location: 16p12.1.
Variant type: single nucleotide variant.
Coding change: c.850T>C on transcript NM_001042432.2 (MANE Select); coding-DNA position 850, T replaced by C.
Protein change: p.Tyr284His; replaces tyrosine 284 with histidine.
Molecular consequence: missense variant.
Genome position (GRCh38, 1-based): chr16:28,482,533, A>G on the plus strand (T>C on the coding strand, the complement: CLN3 is on the minus strand). VCF-style: chr16-28482533-A-G. GRCh37 (hg19) VCF-style: chr16-28493854-A-G.
Other names: c.850T>C, p.Tyr284His (NM_000086.2); c.778T>C, p.Tyr260His (NM_001286104.2); c.550T>C, p.Tyr184His (NM_001286105.2); c.616T>C, p.Tyr206His (NM_001286109.2); c.688T>C, p.Tyr230His (NM_001286110.2); short protein forms Y184H, Y206H, Y260H, Y284H, Y230H.
Identifiers: ClinVar variation 1380555 (VCV001380555.5), dbSNP rs201090501, ClinGen allele CA7980789.